The following is an entry in ClinVar:

NM_138387.4(G6PC3):c.583G>A (p.Glu195Lys)

Gene: G6PC3 (glucose-6-phosphatase catalytic subunit 3; plus strand). Cytogenetic location: 17q21.31.
Variant type: single nucleotide variant.
Coding change: c.583G>A on transcript NM_138387.4 (MANE Select); coding-DNA position 583, G replaced by A.
Protein change: p.Glu195Lys; replaces glutamic acid 195 with lysine.
Molecular consequence: missense variant.
Genome position (GRCh38, 1-based): chr17:44,075,357, G>A. VCF-style: chr17-44075357-G-A. GRCh37 (hg19) VCF-style: chr17-42152725-G-A.
Other names: c.464G>A, p.Gly155Glu (NM_001319945.2); c.238G>A, p.Glu80Lys (NM_001384165.1, NM_001384166.1, NM_001384167.1 and 1 more transcripts); short protein forms G155E, E80K, E195K.
Identifiers: ClinVar variation 2879879 (VCV002879879.3), dbSNP rs773710023, ClinGen allele CA8596092.

ClinVar aggregate classification (germline): Uncertain significance (1 of 4 stars; one submission).

Conditions:
Autosomal recessive severe congenital neutropenia due to G6PC3 deficiency. Also called: NEUTROPENIA, SEVERE CONGENITAL, 4, AUTOSOMAL RECESSIVE; G6PC3 Deficiency. Identifiers: Orphanet 331176, MedGen C2751630, MONDO:0012930, OMIM 612541.

Allele frequency attached by ClinVar (database versions not stated): ExAC 0.00001; TOPMed 0.00001.

Submission:

Labcorp Genetics (formerly Invitae), Labcorp
Classification: Uncertain significance for Autosomal recessive severe congenital neutropenia due to G6PC3 deficiency. Last evaluated: 2025-07-29. Review status: criteria provided, single submitter. Criteria: Invitae Variant Classification Sherloc (09022015). Collection method: clinical testing. Allele origin: germline.
Comment: This sequence change replaces glutamic acid, which is acidic and polar, with lysine, which is basic and polar, at codon 195 of the G6PC3 protein (p.Glu195Lys). This variant is present in population databases (rs773710023, gnomAD 0.0009%). This variant has not been reported in the literature in individuals affected with G6PC3-related conditions. ClinVar contains an entry for this variant (Variation ID: 2879879). Invitae Evidence Modeling of protein sequence and biophysical properties (such as structural, functional, and spatial information, amino acid conservation, physicochemical variation, residue mobility, and thermodynamic stability) indicates that this missense variant is not expected to disrupt G6PC3 protein function with a negative predictive value of 95%. In summary, the available evidence is currently insufficient to determine the role of this variant in disease. Therefore, it has been classified as a Variant of Uncertain Significance.